The following is an entry in ClinVar:

NM_000059.4(BRCA2):c.5592C>A (p.Asp1864Glu)

Gene: BRCA2 (BRCA2 DNA repair associated; plus strand). Cytogenetic location: 13q13.1.
Variant type: single nucleotide variant.
Coding change: c.5592C>A on transcript NM_000059.4 (MANE Select); coding-DNA position 5592, C replaced by A.
Protein change: p.Asp1864Glu; replaces aspartic acid 1864 with glutamic acid.
Molecular consequence: missense variant.
Genome position (GRCh38, 1-based): chr13:32,339,947, C>A. VCF-style: chr13-32339947-C-A. GRCh37 (hg19) VCF-style: chr13-32914084-C-A.
Other names: short protein forms D1864E.
Identifiers: ClinVar variation 1052269 (VCV001052269.10), dbSNP rs1198204828, ClinGen allele CA387786042.

ClinVar aggregate classification (germline): Conflicting classifications of pathogenicity. Review status: criteria provided, conflicting classifications (1 of 4 stars). 3 submissions from 3 submitters: Uncertain significance (2); Likely benign (1). Last evaluated 2023-03-23.

Conditions:
Hereditary breast ovarian cancer syndrome. Also called: Hereditary breast and ovarian cancer syndrome; BRCA1- and BRCA2-Associated Hereditary Breast and Ovarian Cancer; Breast and ovarian cancer; Hereditary breast and/or ovarian cancer syndrome; Hereditary breast and ovarian cancer; Hereditary breast and ovarian cancer syndrome (HBOC). Identifiers: Orphanet 145, MedGen C0677776, MeSH D061325, MONDO:0003582. Disease mechanism: loss of function.
Breast-ovarian cancer, familial, susceptibility to, 2 (BROVCA2). Also called: BRCA2 Hereditary Breast and Ovarian Cancer. Identifiers: Orphanet 145, MedGen C2675520, MONDO:0012933, OMIM 612555. Disease mechanism: loss of function.
Hereditary cancer-predisposing syndrome. Also called: Hereditary Cancer Syndrome; Tumor predisposition; Hereditary neoplastic syndrome; Neoplastic Syndromes, Hereditary. Identifiers: Orphanet 140162, MedGen C0027672, MeSH D009386, MONDO:0015356.

Submissions (3):

University of Washington Department of Laboratory Medicine, University of Washington
Classification: Likely benign for Hereditary cancer-predisposing syndrome. Last evaluated: 2023-03-23. Review status: criteria provided, single submitter. Criteria: Dines et al. (Genet Med. 2020). Collection method: curation. Allele origin: germline.
Comment: Missense variant in a coldspot region where missense variants are very unlikely to be pathogenic (PMID:31911673).

BRCA2 exon 11 coldspot. Reclassification based on statistical prior probability.

Labcorp Genetics (formerly Invitae), Labcorp
Classification: Uncertain significance for Hereditary breast ovarian cancer syndrome. Last evaluated: 2021-09-01. Review status: criteria provided, single submitter. Criteria: Invitae Variant Classification Sherloc (09022015). Collection method: clinical testing. Allele origin: germline.
Comment: This sequence change replaces aspartic acid with glutamic acid at codon 1864 of the BRCA2 protein (p.Asp1864Glu). The aspartic acid residue is weakly conserved and there is a small physicochemical difference between aspartic acid and glutamic acid. This variant is not present in population databases (ExAC no frequency). This missense change has been observed in individual(s) with breast cancer (PMID: 20683152). Advanced modeling of protein sequence and biophysical properties (such as structural, functional, and spatial information, amino acid conservation, physicochemical variation, residue mobility, and thermodynamic stability) performed at Invitae indicates that this missense variant is not expected to disrupt BRCA2 protein function. In summary, the available evidence is currently insufficient to determine the role of this variant in disease. Therefore, it has been classified as a Variant of Uncertain Significance.

University of Science and Technology Houari Boumediene, Laboratory of Molecular and Cellular Biology (LBCM)
Classification: Uncertain significance for Breast-ovarian cancer, familial, susceptibility to, 2. Review status: criteria provided, single submitter. Criteria: ACMG Guidelines, 2015. Collection method: clinical testing. Allele origin: germline. Affected: yes. Observed: 1 heterozygote.

Literature cited by the submitters: PubMed 20683152 (cited by Labcorp Genetics (formerly Invitae), Labcorp and University of Science and Technology Houari Boumediene, Laboratory of Molecular and Cellular Biology (LBCM)).